The following is an entry in ClinVar:

NM_020975.6(RET):c.1407C>G (p.Asp469Glu)

Gene: RET (ret proto-oncogene; plus strand). Cytogenetic location: 10q11.21.
Variant type: single nucleotide variant.
Coding change: c.1407C>G on transcript NM_020975.6 (MANE Select); coding-DNA position 1407, C replaced by G.
Protein change: p.Asp469Glu; replaces aspartic acid 469 with glutamic acid.
Molecular consequence: missense variant.
Genome position (GRCh38, 1-based): chr10:43,111,350, C>G. VCF-style: chr10-43111350-C-G. GRCh37 (hg19) VCF-style: chr10-43606798-C-G.
Other names: c.1407C>G, p.Asp469Glu (NM_000323.2, NM_001406743.1, NM_001406744.1 and 6 more transcripts); c.645C>G, p.Asp215Glu (NM_001355216.2); c.1278C>G, p.Asp426Glu (NM_001406761.1, NM_001406762.1, NM_001406764.1 and 1 more transcripts); c.1119C>G, p.Asp373Glu (NM_001406766.1, NM_001406767.1, NM_001406770.1); c.1011C>G, p.Asp337Glu (NM_001406769.1, NM_001406772.1); c.969C>G, p.Asp323Glu (NM_001406771.1, NM_001406773.1); c.882C>G, p.Asp294Glu (NM_001406774.1); c.681C>G, p.Asp227Glu (NM_001406775.1, NM_001406776.1, NM_001406777.1 and 1 more transcripts); and 1 more; short protein forms D215E, D469E, D337E, D139E, D426E, D294E, D373E, D227E.
Identifiers: ClinVar variation 858312 (VCV000858312.14), dbSNP rs1357302036, ClinGen allele CA376549455.

ClinVar aggregate classification (germline): Uncertain significance. Review status: criteria provided, multiple submitters, no conflicts (2 of 4 stars). 4 submissions from 4 submitters: Uncertain significance (4). Last evaluated 2025-10-07.

Conditions:
Hereditary cancer-predisposing syndrome. Also called: Tumor predisposition; Hereditary neoplastic syndrome; Neoplastic Syndromes, Hereditary; Hereditary Cancer Syndrome. Identifiers: Orphanet 140162, MedGen C0027672, MeSH D009386, MONDO:0015356.
Multiple endocrine neoplasia, type 2 (MEN2). Identifiers: Orphanet 653, MedGen C4048306, MONDO:0019003. Disease mechanism: gain of function.

gnomAD v4.1: 12 of 1,613,992 alleles (0.00074%); highest among the groups gnomAD compares: Non-Finnish European, 0.001%; no homozygotes.

Submissions (4):

Labcorp Genetics (formerly Invitae), Labcorp
Classification: Uncertain significance for Multiple endocrine neoplasia, type 2. Last evaluated: 2025-10-07. Review status: criteria provided, single submitter. Criteria: Invitae Variant Classification Sherloc (09022015). Collection method: clinical testing. Allele origin: germline.
Comment: This sequence change replaces aspartic acid, which is acidic and polar, with glutamic acid, which is acidic and polar, at codon 469 of the RET protein (p.Asp469Glu). This variant is not present in population databases (gnomAD no frequency). This variant has not been reported in the literature in individuals affected with RET-related conditions. ClinVar contains an entry for this variant (Variation ID: 858312). An algorithm developed to predict the effect of missense changes on protein structure and function (PolyPhen-2) suggests that this variant is likely to be tolerated. In summary, the available evidence is currently insufficient to determine the role of this variant in disease. Therefore, it has been classified as a Variant of Uncertain Significance.

All of Us Research Program, National Institutes of Health
Classification: Uncertain significance for Multiple endocrine neoplasia, type 2. Last evaluated: 2024-04-25. Review status: criteria provided, single submitter. Criteria: ACMG Guidelines, 2015. Collection method: clinical testing. Allele origin: germline. Inheritance: Autosomal dominant inheritance. Observed: 1 variant allele, 1 heterozygote.
Comment: This missense variant replaces aspartic acid with glutamic acid at codon 469 of the RET protein. Computational prediction is inconclusive regarding the impact of this variant on protein structure and function (internally defined REVEL score threshold 0.5 < inconclusive < 0.7, PMID: 27666373). To our knowledge, functional studies have not been reported for this variant. This variant has not been reported in individuals affected with RET-related disorders in the literature. This variant has not been identified in the general population by the Genome Aggregation Database (gnomAD). The available evidence is insufficient to determine the role of this variant in disease conclusively. Therefore, this variant is classified as a Variant of Uncertain Significance.

This study involves interpretation of variants in research participants for the purpose of population health screening. Participant phenotype was not available at the time of variant classification. Additional details can be found in publication PMID: 35346344, PMCID: PMC8962531

Color Diagnostics, LLC DBA Color Health
Classification: Uncertain significance for Multiple endocrine neoplasia, type 2. Last evaluated: 2024-03-28. Review status: criteria provided, single submitter. Criteria: ACMG Guidelines, 2015. Collection method: clinical testing. Allele origin: germline.
Comment: This missense variant replaces aspartic acid with glutamic acid at codon 469 of the RET protein. Computational prediction is inconclusive regarding the impact of this variant on protein structure and function. To our knowledge, functional studies have not been reported for this variant. This variant has not been reported in individuals affected with RET-related disorders in the literature. This variant has not been identified in the general population by the Genome Aggregation Database (gnomAD). The available evidence is insufficient to determine the role of this variant in disease conclusively. Therefore, this variant is classified as a Variant of Uncertain Significance.

Ambry Genetics
Classification: Uncertain significance for Hereditary cancer-predisposing syndrome. Last evaluated: 2023-09-29. Review status: criteria provided, single submitter. Criteria: Ambry Variant Classification Scheme 2023. Collection method: clinical testing. Allele origin: germline.
Comment: The p.D469E variant (also known as c.1407C>G), located in coding exon 7 of the RET gene, results from a C to G substitution at nucleotide position 1407. The aspartic acid at codon 469 is replaced by glutamic acid, an amino acid with highly similar properties. This amino acid position is well conserved in available vertebrate species. In addition, the in silico prediction for this alteration is inconclusive. Since supporting evidence is limited at this time, the clinical significance of this alteration remains unclear.